The following is an entry in ClinVar:

NM_005585.5(SMAD6):c.1292C>T (p.Pro431Leu)

Gene: SMAD6 (SMAD family member 6; plus strand). Cytogenetic location: 15q22.31.
Variant type: single nucleotide variant.
Coding change: c.1292C>T on transcript NM_005585.5 (MANE Select); coding-DNA position 1292, C replaced by T.
Protein change: p.Pro431Leu; replaces proline 431 with leucine.
Molecular consequence: missense variant. On other transcripts: non-coding transcript variant (1).
Genome position (GRCh38, 1-based): chr15:66,781,336, C>T. VCF-style: chr15-66781336-C-T. GRCh37 (hg19) VCF-style: chr15-67073674-C-T.
Other names: short protein forms P431L.
Identifiers: ClinVar variation 4807428 (VCV004807428.1).

ClinVar aggregate classification (germline): Uncertain significance (1 of 4 stars; one submission).

Conditions:
Aortic valve disease 2 (AOVD2). Identifiers: MedGen C3542024, MONDO:0013902, OMIM 614823.

gnomAD v4.1: 1 of 1,598,990 alleles (0.000063%); highest among the groups gnomAD compares: Admixed American, 0.0017%; no homozygotes.

Submission:

Labcorp Genetics (formerly Invitae), Labcorp
Classification: Uncertain significance for Aortic valve disease 2. Last evaluated: 2025-07-20. Review status: criteria provided, single submitter. Criteria: Invitae Variant Classification Sherloc (09022015). Collection method: clinical testing. Allele origin: germline.
Comment: This sequence change replaces proline, which is neutral and non-polar, with leucine, which is neutral and non-polar, at codon 431 of the SMAD6 protein (p.Pro431Leu). This variant is present in population databases (rs369647470, gnomAD 0.003%). This variant has not been reported in the literature in individuals affected with SMAD6-related conditions. Invitae Evidence Modeling of protein sequence and biophysical properties (such as structural, functional, and spatial information, amino acid conservation, physicochemical variation, residue mobility, and thermodynamic stability) indicates that this missense variant is not expected to disrupt SMAD6 protein function with a negative predictive value of 80%. In summary, the available evidence is currently insufficient to determine the role of this variant in disease. Therefore, it has been classified as a Variant of Uncertain Significance.